The following is an entry in ClinVar:

NM_152384.3(BBS5):c.-2C>A

Genes: BBS5 (Bardet-Biedl syndrome 5; plus strand), LOC129935068 (ATAC-STARR-seq lymphoblastoid active region 16738; plus strand). Cytogenetic location: 2q31.1.
Variant type: single nucleotide variant.
Coding change: c.-2C>A on transcript NM_152384.3 (MANE Select); 2 bases upstream of the start codon, C replaced by A.
Molecular consequence: 5 prime UTR variant.
Genome position (GRCh38, 1-based): chr2:169,479,552, C>A. VCF-style: chr2-169479552-C-A. GRCh37 (hg19) VCF-style: chr2-170336062-C-A.
Identifiers: ClinVar variation 1338227 (VCV001338227.6), dbSNP rs199854347, ClinGen allele CA1956062.

ClinVar aggregate classification (germline): Uncertain significance. Review status: criteria provided, single submitter (1 of 4 stars). 2 submissions from 2 submitters: Uncertain significance (1). 1 of the submissions does not count toward it. Last evaluated 2017-07-14.

Conditions:
BBS5-related disorder. Also called: BBS5-related condition.

Allele frequency attached by ClinVar (database versions not stated): gnomAD 0.00005; ExAC 0.00002; ESP Exome Variant Server 0.00008; 1000 Genomes Project 0.00020; 1000 Genomes Project 30x 0.00031.
gnomAD v4.1: 12 of 1,614,174 alleles (0.00074%); highest among the groups gnomAD compares: African/African-American, 0.015%; no homozygotes.

Submissions (2):

Genetic Services Laboratory, University of Chicago
Classification: Uncertain significance. Last evaluated: 2017-07-14. Review status: criteria provided, single submitter. Criteria: ACMG Guidelines, 2015. Collection method: clinical testing. Allele origin: germline. Affected: no.

PreventionGenetics, part of Exact Sciences
Classification: Likely benign for BBS5-related condition. Last evaluated: 2023-09-26. Review status: no assertion criteria provided. Collection method: clinical testing. Allele origin: germline. Not counted in ClinVar's aggregate classification.
Comment: This variant is classified as likely benign based on ACMG/AMP sequence variant interpretation guidelines (Richards et al. 2015 PMID: 25741868, with internal and published modifications).